The following is an entry in ClinVar:

ClinVar aggregate classification (germline): Uncertain significance (1 of 4 stars; one submission).

Submission:

GeneDx
Classification: Uncertain significance. Last evaluated: 2024-09-11. Review status: criteria provided, single submitter. Criteria: GeneDx Variant Classification Process June 2021. Collection method: clinical testing. Allele origin: germline. Affected: yes.
Comment: Not observed at significant frequency in large population cohorts (gnomAD); In silico analysis supports that this missense variant has a deleterious effect on protein structure/function; Has not been previously published as pathogenic or benign to our knowledge

NM_001395159.1(UNC79):c.2534G>T (p.Gly845Val)

Gene: UNC79 (unc-79 homolog, NALCN channel complex subunit; plus strand). Cytogenetic location: 14q32.12.
Variant type: single nucleotide variant.
Coding change: c.2534G>T on transcript NM_001395159.1 (MANE Select); coding-DNA position 2534, G replaced by T.
Protein change: p.Gly845Val; replaces glycine 845 with valine.
Molecular consequence: missense variant.
Genome position (GRCh38, 1-based): chr14:93,580,249, G>T. VCF-style: chr14-93580249-G-T. GRCh37 (hg19) VCF-style: chr14-94046595-G-T.
Other names: c.2534G>T, p.Gly845Val (NM_001346218.2); c.2003G>T, p.Gly668Val (NM_020818.5); short protein forms G668V, G845V.
Identifiers: ClinVar variation 3770056 (VCV003770056.1).